The following is an entry in ClinVar:

ClinVar aggregate classification (germline): Uncertain significance (1 of 4 stars; one submission).

Allele frequency attached by ClinVar (database versions not stated): gnomAD exomes below 0.00001; gnomAD 0.00001.
gnomAD v4.1: 4 of 1,577,460 alleles (0.00025%); highest among the groups gnomAD compares: Non-Finnish European, 0.00035%; no homozygotes.

Submission:

Ambry Genetics
Classification: Uncertain significance. Last evaluated: 2024-09-30. Review status: criteria provided, single submitter. Criteria: Ambry Variant Classification Scheme 2023. Collection method: clinical testing. Allele origin: germline.
Comment: The p.I2229V variant (also known as c.6685A>G), located in coding exon 22 of the POLQ gene, results from an A to G substitution at nucleotide position 6685. The isoleucine at codon 2229 is replaced by valine, an amino acid with highly similar properties. This amino acid position is conserved. In addition, this alteration is predicted to be tolerated by in silico analysis. Since supporting evidence is limited at this time, the clinical significance of this alteration remains unclear.

NM_199420.4(POLQ):c.6685A>G (p.Ile2229Val)

Gene: POLQ (DNA polymerase theta; minus strand). Cytogenetic location: 3q13.33.
Variant type: single nucleotide variant.
Coding change: c.6685A>G on transcript NM_199420.4 (MANE Select); coding-DNA position 6685, A replaced by G.
Protein change: p.Ile2229Val; replaces isoleucine 2229 with valine.
Molecular consequence: missense variant.
Genome position (GRCh38, 1-based): chr3:121,472,023, T>C on the plus strand (A>G on the coding strand, the complement: POLQ is on the minus strand). VCF-style: chr3-121472023-T-C. GRCh37 (hg19) VCF-style: chr3-121190870-T-C.
Other names: short protein forms I2229V.
Identifiers: ClinVar variation 1754873 (VCV001754873.3), dbSNP rs1010727768, ClinGen allele CA81827208.